The following is an entry in ClinVar:

ClinVar aggregate classification (germline): Uncertain significance (1 of 4 stars; one submission).

Allele frequency attached by ClinVar (database versions not stated): gnomAD exomes below 0.00001.
gnomAD v4.1: 1 of 1,613,780 alleles (0.000062%); highest among the groups gnomAD compares: Non-Finnish European, 0.000085%; no homozygotes.

Submission:

Labcorp Genetics (formerly Invitae), Labcorp
Classification: Uncertain significance. Last evaluated: 2023-04-12. Review status: criteria provided, single submitter. Criteria: Invitae Variant Classification Sherloc (09022015). Collection method: clinical testing. Allele origin: germline.
Comment: Advanced modeling of protein sequence and biophysical properties (such as structural, functional, and spatial information, amino acid conservation, physicochemical variation, residue mobility, and thermodynamic stability) performed at Invitae indicates that this missense variant is not expected to disrupt PROSC protein function. In summary, the available evidence is currently insufficient to determine the role of this variant in disease. Therefore, it has been classified as a Variant of Uncertain Significance. This sequence change replaces glutamic acid, which is acidic and polar, with lysine, which is basic and polar, at codon 249 of the PROSC protein (p.Glu249Lys). This variant is not present in population databases (gnomAD no frequency). This variant has not been reported in the literature in individuals affected with PROSC-related conditions.

NM_007198.4(PLPBP):c.745G>A (p.Glu249Lys)

Gene: PLPBP (pyridoxal phosphate binding protein; plus strand). Cytogenetic location: 8p11.23.
Variant type: single nucleotide variant.
Coding change: c.745G>A on transcript NM_007198.4 (MANE Select); coding-DNA position 745, G replaced by A.
Protein change: p.Glu249Lys; replaces glutamic acid 249 with lysine.
Molecular consequence: missense variant.
Genome position (GRCh38, 1-based): chr8:37,778,021, G>A. VCF-style: chr8-37778021-G-A. GRCh37 (hg19) VCF-style: chr8-37635539-G-A.
Other names: c.775G>A, p.Glu259Lys (NM_001349346.2); c.739G>A, p.Glu247Lys (NM_001349347.2); c.589G>A, p.Glu197Lys (NM_001349348.2); short protein forms E249K, E247K, E259K, E197K.
Identifiers: ClinVar variation 2793027 (VCV002793027.3), dbSNP rs2487399023, ClinGen allele CA370668944.